The following is an entry in ClinVar:

NM_006904.7(PRKDC):c.9811G>A (p.Asp3271Asn)

Gene: PRKDC (protein kinase, DNA-activated, catalytic subunit; minus strand). Cytogenetic location: 8q11.21.
Variant type: single nucleotide variant.
Coding change: c.9811G>A on transcript NM_006904.7 (MANE Select); coding-DNA position 9811, G replaced by A.
Protein change: p.Asp3271Asn; replaces aspartic acid 3271 with asparagine.
Molecular consequence: missense variant.
Genome position (GRCh38, 1-based): chr8:47,803,417, C>T on the plus strand (G>A on the coding strand, the complement: PRKDC is on the minus strand). VCF-style: chr8-47803417-C-T. GRCh37 (hg19) VCF-style: chr8-48715978-C-T.
Other names: c.9811G>A, p.Asp3271Asn (NM_001081640.2); short protein forms D3271N.
Identifiers: ClinVar variation 641698 (VCV000641698.1), dbSNP rs780788138, ClinGen allele CA4739476.

ClinVar aggregate classification (germline): Uncertain significance (1 of 4 stars; one submission).

Conditions:
Severe combined immunodeficiency due to DNA-PKcs deficiency. Also called: IMMUNODEFICIENCY 26 WITH NEUROLOGIC ABNORMALITIES; Immunodeficiency 26 with or without neurologic abnormalities. Identifiers: Orphanet 317425, MedGen C4014833, MONDO:0014423, OMIM 615966.

Allele frequency attached by ClinVar (database versions not stated): ExAC 0.00001; gnomAD 0.00001 and 0.00002; TOPMed 0.00001; gnomAD exomes 0.00002.
gnomAD v4.1: 44 of 1,613,870 alleles (0.0027%); highest among the groups gnomAD compares: South Asian, 0.0055%; no homozygotes.

Submission:

Labcorp Genetics (formerly Invitae), Labcorp
Classification: Uncertain significance for Immunodeficiency 26 with or without neurologic abnormalities. Last evaluated: 2018-10-31. Review status: criteria provided, single submitter. Criteria: Invitae Variant Classification Sherloc (09022015). Collection method: clinical testing. Allele origin: germline.
Comment: This sequence change replaces aspartic acid with asparagine at codon 3271 of the PRKDC protein (p.Asp3271Asn). The aspartic acid residue is modrately conserved and there is a small physicochemical difference between aspartic acid and asparagine. This variant is present in population databases (rs780788138, ExAC 0.006%). This variant has not been reported in the literature in individuals with PRKDC-related disease. Algorithms developed to predict the effect of missense changes on protein structure and function (SIFT, PolyPhen-2, Align-GVGD) all suggest that this variant is likely to be tolerated, but these predictions have not been confirmed by published functional studies and their clinical significance is uncertain. In summary, the available evidence is currently insufficient to determine the role of this variant in disease. Therefore, it has been classified as a Variant of Uncertain Significance.